The following is an entry in ClinVar:

NM_174936.4(PCSK9):c.1413C>T (p.Ala471=)

Gene: PCSK9 (proprotein convertase subtilisin/kexin type 9; plus strand). Cytogenetic location: 1p32.3.
Variant type: single nucleotide variant.
Coding change: c.1413C>T on transcript NM_174936.4 (MANE Select); coding-DNA position 1413, C replaced by T.
Protein change: p.Ala471=; no amino-acid change (alanine 471 retained).
Molecular consequence: synonymous variant. On other transcripts: non-coding transcript variant (8), intron variant (1).
Genome position (GRCh38, 1-based): chr1:55,058,557, C>T. VCF-style: chr1-55058557-C-T. GRCh37 (hg19) VCF-style: chr1-55524230-C-T.
Other names: c.1536C>T, p.Ala512= (NM_001407240.1); c.1413C>T, p.Ala471= (NM_001407241.1); c.1416C>T, p.Ala472= (NM_001407242.1); c.1356C>T, p.Ala452= (NM_001407243.1); c.1239C>T, p.Ala413= (NM_001407244.1); c.1221C>T, p.Ala407= (NM_001407245.1); c.1038C>T, p.Ala346= (NM_001407246.1); c.1180+1043C>T (NM_001407247.1).
Identifiers: ClinVar variation 926769 (VCV000926769.12), dbSNP rs1357691724, ClinGen allele CA417960291.

ClinVar aggregate classification (germline): Likely benign. Review status: criteria provided, multiple submitters, no conflicts (2 of 4 stars). 4 submissions from 4 submitters: Likely benign (4). Last evaluated 2025-02-05.

Conditions:
Familial hypercholesterolemia. Also called: Familial hypercholesterolaemia; Familial hypercholesterolemias. Identifiers: MedGen C0020445, MONDO:0005439.
Cardiovascular phenotype. Identifiers: MedGen CN230736.
Hypercholesterolemia, autosomal dominant, 3 (FHCL3). Also called: PCSK9-Related Familial Hypercholesterolemia, Autosomal Dominant; Familial hypercholesterolemia 3; Familial Hypercholesterolemia, Autosomal Dominant, 3. Identifiers: MedGen C1863551, MONDO:0011369, OMIM 603776.

Allele frequency attached by ClinVar (database versions not stated): TOPMed below 0.00001; gnomAD 0.00001.
gnomAD v4.1: 4 of 1,612,056 alleles (0.00025%); highest among the groups gnomAD compares: South Asian, 0.0033%; no homozygotes.

Submissions (4):

Labcorp Genetics (formerly Invitae), Labcorp
Classification: Likely benign for Hypercholesterolemia, autosomal dominant, 3. Last evaluated: 2025-02-05. Review status: criteria provided, single submitter. Criteria: Invitae Variant Classification Sherloc (09022015). Collection method: clinical testing. Allele origin: germline.

Ambry Genetics
Classification: Likely benign for Cardiovascular phenotype. Last evaluated: 2024-10-29. Review status: criteria provided, single submitter. Criteria: Ambry Variant Classification Scheme 2023. Collection method: clinical testing. Allele origin: germline.

All of Us Research Program, National Institutes of Health
Classification: Likely benign for Hypercholesterolemia, autosomal dominant, 3. Last evaluated: 2023-07-10. Review status: criteria provided, single submitter. Criteria: ACMG Guidelines, 2015. Collection method: clinical testing. Allele origin: germline. Inheritance: Autosomal dominant inheritance. Observed: 1 variant allele, 1 heterozygote.
Comment: This study involves interpretation of variants in research participants for the purpose of population health screening. Participant phenotype was not available at the time of variant classification. Additional details can be found in publication PMID: 35346344, PMCID: PMC8962531

Color Diagnostics, LLC DBA Color Health
Classification: Likely benign for Familial hypercholesterolemia. Last evaluated: 2019-09-16. Review status: criteria provided, single submitter. Criteria: ACMG Guidelines, 2015. Collection method: clinical testing. Allele origin: germline.